The following is an entry in ClinVar:

ClinVar aggregate classification (germline): Uncertain significance. Review status: criteria provided, multiple submitters, no conflicts (2 of 4 stars). 4 submissions from 4 submitters: Uncertain significance (4). Last evaluated 2023-07-24.

Conditions:
TH-deficient dopa-responsive dystonia. Also called: Tyrosine Hydroxylase-Deficient Dopa-Responsive Dystonia; Segawa syndrome, autosomal recessive; DYT-TH. Identifiers: Orphanet 101150, MedGen C2673535, MONDO:0011551, OMIM 605407.

Submissions (4):

Women's Health and Genetics/Laboratory Corporation of America, LabCorp
Classification: Uncertain significance. Last evaluated: 2023-07-24. Review status: criteria provided, single submitter. Criteria: LabCorp Variant Classification Summary - May 2015. Collection method: clinical testing. Allele origin: germline.

Department of Pathology and Laboratory Medicine, Sinai Health System
Classification: Uncertain significance for TH-deficient dopa-responsive dystonia. Last evaluated: 2023-06-28. Review status: criteria provided, single submitter. Criteria: ACMG Guidelines, 2015. Collection method: research. Allele origin: germline.

Labcorp Genetics (formerly Invitae), Labcorp
Classification: Uncertain significance for TH-deficient dopa-responsive dystonia. Last evaluated: 2022-06-05. Review status: criteria provided, single submitter. Criteria: Invitae Variant Classification Sherloc (09022015). Collection method: clinical testing. Allele origin: germline.
Comment: This sequence change replaces arginine, which is basic and polar, with leucine, which is neutral and non-polar, at codon 441 of the TH protein (p.Arg441Leu). This variant is not present in population databases (gnomAD no frequency). This variant has not been reported in the literature in individuals affected with TH-related conditions. ClinVar contains an entry for this variant (Variation ID: 1411237). Algorithms developed to predict the effect of missense changes on protein structure and function (SIFT, PolyPhen-2, Align-GVGD) all suggest that this variant is likely to be disruptive. This variant disrupts the p.Arg441 amino acid residue in TH. Other variant(s) that disrupt this residue have been observed in individuals with TH-related conditions (PMID: 23939262, 27619486), which suggests that this may be a clinically significant amino acid residue. In summary, the available evidence is currently insufficient to determine the role of this variant in disease. Therefore, it has been classified as a Variant of Uncertain Significance.

Breakthrough Genomics
Classification: Uncertain significance. Review status: criteria provided, single submitter. Criteria: ACMG Guidelines, 2015. Collection method: not provided. Allele origin: germline. Inheritance: Autosomal recessive inheritance. Affected: yes.

Literature cited by the submitters: PubMed 23939262 (cited by Labcorp Genetics (formerly Invitae), Labcorp); PubMed 27619486 (cited by Labcorp Genetics (formerly Invitae), Labcorp).

NM_000360.4(TH):c.1229G>T (p.Arg410Leu)

Gene: TH (tyrosine hydroxylase; minus strand). Cytogenetic location: 11p15.5.
Variant type: single nucleotide variant.
Coding change: c.1229G>T on transcript NM_000360.4 (MANE Select); coding-DNA position 1229, G replaced by T.
Protein change: p.Arg410Leu; replaces arginine 410 with leucine.
Molecular consequence: missense variant.
Genome position (GRCh38, 1-based): chr11:2,165,337, C>A on the plus strand (G>T on the coding strand, the complement: TH is on the minus strand). VCF-style: chr11-2165337-C-A. GRCh37 (hg19) VCF-style: chr11-2186567-C-A.
Other names: c.1322G>T (NM_199292.2); c.1322G>T, p.Arg441Leu (NM_199292.3); c.1310G>T, p.Arg437Leu (NM_199293.3); short protein forms R441L, R437L, R410L.
Identifiers: ClinVar variation 1411237 (VCV001411237.7), dbSNP rs367874223, ClinGen allele CA379125281.